The following is an entry in ClinVar:

ClinVar aggregate classification (germline): Conflicting classifications of pathogenicity. Review status: criteria provided, conflicting classifications (1 of 4 stars). 2 submissions from 2 submitters: Uncertain significance (1); Likely benign (1). Last evaluated 2026-04-13.

Conditions:
Cardiovascular phenotype. Identifiers: MedGen CN230736.
Hereditary hemorrhagic telangiectasia (HHT). Also called: ORW DISEASE; Osler Weber Rendu syndrome; OSLER-RENDU-WEBER DISEASE; Osler hemorrhagic telangiectasia syndrome. Identifiers: Orphanet 774, MedGen C0039445, MONDO:0019180. Disease mechanism: loss of function.

Allele frequency attached by ClinVar (database versions not stated): gnomAD exomes below 0.00001.
gnomAD v4.1: 4 of 1,614,116 alleles (0.00025%); highest among the groups gnomAD compares: Non-Finnish European, 0.00034%; no homozygotes.

Submissions (2):

Ambry Genetics
Classification: Uncertain significance for Cardiovascular phenotype. Last evaluated: 2026-04-13. Review status: criteria provided, single submitter. Criteria: Ambry Variant Classification Scheme 2023. Collection method: clinical testing. Allele origin: germline.
Comment: The p.T538A variant (also known as c.1612A>G), located in coding exon 12 of the ENG gene, results from an A to G substitution at nucleotide position 1612. The threonine at codon 538 is replaced by alanine, an amino acid with similar properties. This amino acid position is conserved. In addition, this alteration is predicted to be tolerated by in silico analysis. Based on the available evidence, the clinical significance of this variant remains unclear.

Labcorp Genetics (formerly Invitae), Labcorp
Classification: Likely benign for Hereditary hemorrhagic telangiectasia. Last evaluated: 2023-04-07. Review status: criteria provided, single submitter. Criteria: Invitae Variant Classification Sherloc (09022015). Collection method: clinical testing. Allele origin: germline.

NM_001114753.3(ENG):c.1612A>G (p.Thr538Ala)

Genes: ENG (endoglin; minus strand), LOC102723566 (uncharacterized LOC102723566; plus strand). Cytogenetic location: 9q34.11.
Variant type: single nucleotide variant.
Coding change: c.1612A>G on transcript NM_001114753.3 (MANE Select); coding-DNA position 1612, A replaced by G.
Protein change: p.Thr538Ala; replaces threonine 538 with alanine.
Molecular consequence: missense variant.
Genome position (GRCh38, 1-based): chr9:127,818,194, T>C on the plus strand (A>G on the coding strand, the complement: ENG is on the minus strand). VCF-style: chr9-127818194-T-C. GRCh37 (hg19) VCF-style: chr9-130580473-T-C.
Other names: c.1612A>G, p.Thr538Ala (NM_000118.4); c.1066A>G, p.Thr356Ala (NM_001278138.2); c.1612A>G (NM_001114753.1); short protein forms T356A, T538A.
Identifiers: ClinVar variation 2724742 (VCV002724742.4), dbSNP rs1285967917, ClinGen allele CA374974324.